The following is an entry in ClinVar:

NM_018063.5(HELLS):c.2161C>T (p.Arg721Cys)

Gene: HELLS (helicase, lymphoid specific; plus strand). Cytogenetic location: 10q23.33.
Variant type: single nucleotide variant.
Coding change: c.2161C>T on transcript NM_018063.5 (MANE Select); coding-DNA position 2161, C replaced by T.
Protein change: p.Arg721Cys; replaces arginine 721 with cysteine.
Molecular consequence: missense variant.
Genome position (GRCh38, 1-based): chr10:94,594,767, C>T. VCF-style: chr10-94594767-C-T. GRCh37 (hg19) VCF-style: chr10-96354524-C-T.
Other names: c.2299C>T, p.Arg767Cys (NM_001289067.2); c.2113C>T, p.Arg705Cys (NM_001289068.2); c.2065C>T, p.Arg689Cys (NM_001289069.2); c.1867C>T, p.Arg623Cys (NM_001289070.2); c.1789C>T, p.Arg597Cys (NM_001289071.2); c.1771C>T, p.Arg591Cys (NM_001289072.2); c.1747C>T, p.Arg583Cys (NM_001289073.2); c.1078C>T, p.Arg360Cys (NM_001289074.2); and 2 more; short protein forms R360C, R597C, R623C, R315C, R583C, R689C, R705C, R721C.
Identifiers: ClinVar variation 1896244 (VCV001896244.3), dbSNP rs371792267, ClinGen allele CA5615662.

ClinVar aggregate classification (germline): Uncertain significance. Review status: criteria provided, multiple submitters, no conflicts (2 of 4 stars). 2 submissions from 2 submitters: Uncertain significance (2). Last evaluated 2025-08-13.

Conditions:
Inborn genetic diseases. Identifiers: MedGen C0950123, MeSH D030342.

Allele frequency attached by ClinVar (database versions not stated): ExAC 0.00001; gnomAD 0.00001; gnomAD exomes 0.00005; TOPMed 0.00006; ESP Exome Variant Server 0.00008.
gnomAD v4.1: 73 of 1,613,448 alleles (0.0045%); highest among the groups gnomAD compares: Non-Finnish European, 0.0058%; no homozygotes.

Submissions (2):

Ambry Genetics
Classification: Uncertain significance for Inborn genetic diseases. Last evaluated: 2025-08-13. Review status: criteria provided, single submitter. Criteria: Ambry Variant Classification Scheme 2023. Collection method: clinical testing. Allele origin: germline.

Labcorp Genetics (formerly Invitae), Labcorp
Classification: Uncertain significance. Last evaluated: 2022-01-15. Review status: criteria provided, single submitter. Criteria: Invitae Variant Classification Sherloc (09022015). Collection method: clinical testing. Allele origin: germline.
Comment: This sequence change replaces arginine, which is basic and polar, with cysteine, which is neutral and slightly polar, at codon 721 of the HELLS protein (p.Arg721Cys). This variant is present in population databases (rs371792267, gnomAD 0.004%). This variant has not been reported in the literature in individuals affected with HELLS-related conditions. Algorithms developed to predict the effect of missense changes on protein structure and function (SIFT, PolyPhen-2, Align-GVGD) all suggest that this variant is likely to be disruptive. In summary, the available evidence is currently insufficient to determine the role of this variant in disease. Therefore, it has been classified as a Variant of Uncertain Significance.